The following is an entry in ClinVar:

ClinVar aggregate classification (germline): Uncertain significance. Review status: criteria provided, multiple submitters, no conflicts (2 of 4 stars). 2 submissions from 2 submitters: Uncertain significance (2). Last evaluated 2025-08-03.

gnomAD v4.1: 2 of 1,614,002 alleles (0.00012%); highest among the groups gnomAD compares: Admixed American, 0.0033%; no homozygotes.

Submissions (2):

Labcorp Genetics (formerly Invitae), Labcorp
Classification: Uncertain significance. Last evaluated: 2025-08-03. Review status: criteria provided, single submitter. Criteria: Invitae Variant Classification Sherloc (09022015). Collection method: clinical testing. Allele origin: germline.
Comment: This sequence change replaces alanine, which is neutral and non-polar, with valine, which is neutral and non-polar, at codon 659 of the TRAP1 protein (p.Ala659Val). This variant is not present in population databases (gnomAD no frequency). This variant has not been reported in the literature in individuals affected with TRAP1-related conditions. ClinVar contains an entry for this variant (Variation ID: 3460859). An algorithm developed to predict the effect of missense changes on protein structure and function outputs the following: PolyPhen-2: "Benign". The valine amino acid residue is found in multiple mammalian species, which suggests that this missense change does not adversely affect protein function. In summary, the available evidence is currently insufficient to determine the role of this variant in disease. Therefore, it has been classified as a Variant of Uncertain Significance.

Ambry Genetics
Classification: Uncertain significance. Last evaluated: 2024-09-02. Review status: criteria provided, single submitter. Criteria: Ambry Variant Classification Scheme 2023. Collection method: clinical testing. Allele origin: germline.

NM_016292.3(TRAP1):c.1976C>T (p.Ala659Val)

Genes: DNASE1 (deoxyribonuclease 1; plus strand), TRAP1 (TNF receptor associated protein 1; minus strand). Cytogenetic location: 16p13.3.
Variant type: single nucleotide variant.
Coding change: c.1976C>T on transcript NM_016292.3 (MANE Select); coding-DNA position 1976, C replaced by T.
Protein change: p.Ala659Val; replaces alanine 659 with valine.
Molecular consequence: missense variant. On other transcripts: intron variant (1).
Genome position (GRCh38, 1-based): chr16:3,658,830, G>A on the plus strand (C>T on the coding strand, the complement: TRAP1 is on the minus strand). VCF-style: chr16-3658830-G-A. GRCh37 (hg19) VCF-style: chr16-3708831-G-A.
Other names: c.1817C>T, p.Ala606Val (NM_001272049.2); c.*21+963G>A (NM_001387140.1); short protein forms A606V, A659V.
Identifiers: ClinVar variation 3460859 (VCV003460859.1).
Genomic context (GRCh38, chr16:3,658,830, plus strand): 5'-TCATCCTAAGCTGCTGCACTCACCTGATCCACCAGCAGCTGAGCCAGGCCAGGCTCGCTT[G>A]CGCGCAGCTGATTCAGCTTCTTGATGAGCGCGTGCCTGCAACACAGAACCCACCAGAAAA-3'
Protein context (NP_057376.2, residues 649-669): ALIKKLNQLR[Ala659Val]SEPGLAQLLV